The following is an entry in ClinVar:

ClinVar aggregate classification (germline): Uncertain significance. Review status: criteria provided, multiple submitters, no conflicts (2 of 4 stars). 4 submissions from 4 submitters: Uncertain significance (4). Last evaluated 2025-01-27.

Allele frequency attached by ClinVar (database versions not stated): gnomAD exomes 0.00002; ExAC 0.00004; ESP Exome Variant Server 0.00008; TOPMed 0.00012.
gnomAD v4.1: 50 of 1,612,472 alleles (0.0031%); highest among the groups gnomAD compares: African/African-American, 0.047%; no homozygotes.

Submissions (4):

Labcorp Genetics (formerly Invitae), Labcorp
Classification: Uncertain significance. Last evaluated: 2025-01-27. Review status: criteria provided, single submitter. Criteria: Invitae Variant Classification Sherloc (09022015). Collection method: clinical testing. Allele origin: germline.
Comment: This sequence change replaces arginine, which is basic and polar, with cysteine, which is neutral and slightly polar, at codon 3362 of the HSPG2 protein (p.Arg3362Cys). This variant is present in population databases (rs368151242, gnomAD 0.04%). This variant has not been reported in the literature in individuals affected with HSPG2-related conditions. ClinVar contains an entry for this variant (Variation ID: 1365864). An algorithm developed to predict the effect of missense changes on protein structure and function (PolyPhen-2) suggests that this variant is likely to be disruptive. In summary, the available evidence is currently insufficient to determine the role of this variant in disease. Therefore, it has been classified as a Variant of Uncertain Significance.

GeneDx
Classification: Uncertain significance. Last evaluated: 2024-03-27. Review status: criteria provided, single submitter. Criteria: GeneDx Variant Classification Process June 2021. Collection method: clinical testing. Allele origin: germline. Affected: yes.
Comment: In silico analysis supports that this missense variant has a deleterious effect on protein structure/function; Identified in the heterozygous state in an individual with keratoconus; however, this individual also had several variants in genes related to the structure of the corneal layers (PMID: 37895187); This variant is associated with the following publications: (PMID: 37895187)

Blueprint Genetics
Classification: Uncertain significance. Last evaluated: 2024-03-11. Review status: criteria provided, single submitter. Criteria: ACMG Guidelines, 2015. Collection method: clinical testing. Allele origin: germline.

Revvity Omics, Revvity
Classification: Uncertain significance. Last evaluated: 2019-07-30. Review status: criteria provided, single submitter. Criteria: ACMG Guidelines, 2015. Collection method: clinical testing. Allele origin: germline.

NM_005529.7(HSPG2):c.10084C>T (p.Arg3362Cys)

Gene: HSPG2 (heparan sulfate proteoglycan 2; minus strand). Cytogenetic location: 1p36.12.
Variant type: single nucleotide variant.
Coding change: c.10084C>T on transcript NM_005529.7 (MANE Select); coding-DNA position 10084, C replaced by T.
Protein change: p.Arg3362Cys; replaces arginine 3362 with cysteine.
Molecular consequence: missense variant.
Genome position (GRCh38, 1-based): chr1:21,838,891, G>A on the plus strand (C>T on the coding strand, the complement: HSPG2 is on the minus strand). VCF-style: chr1-21838891-G-A. GRCh37 (hg19) VCF-style: chr1-22165384-G-A.
Other names: c.10084C>T (NM_005529.5); c.10087C>T, p.Arg3363Cys (NM_001291860.2); short protein forms R3362C, R3363C.
Identifiers: ClinVar variation 1365864 (VCV001365864.8), dbSNP rs368151242, ClinGen allele CA670234.